The following is an entry in ClinVar:

NM_021954.4(GJA3):c.113G>A (p.Gly38Glu)

Gene: GJA3 (gap junction protein alpha 3; minus strand). Cytogenetic location: 13q12.11.
Variant type: single nucleotide variant.
Coding change: c.113G>A on transcript NM_021954.4 (MANE Select); coding-DNA position 113, G replaced by A.
Protein change: p.Gly38Glu; replaces glycine 38 with glutamic acid.
Molecular consequence: missense variant.
Genome position (GRCh38, 1-based): chr13:20,143,176, C>T on the plus strand (G>A on the coding strand, the complement: GJA3 is on the minus strand). VCF-style: chr13-20143176-C-T. GRCh37 (hg19) VCF-style: chr13-20717315-C-T.
Other names: short protein forms G38E.
Identifiers: ClinVar variation 3253734 (VCV003253734.2).

ClinVar aggregate classification (germline): Likely pathogenic (1 of 4 stars; one submission).

Conditions:
Cataract 14 multiple types. Also called: CATARACT 14, ZONULAR PULVERULENT; CATARACT 14, NUCLEAR PULVERULENT; CATARACT 14, NUCLEAR PULVERULENT AND POSTERIOR POLAR; CATARACT 14, NUCLEAR CORALLIFORM; CATARACT 14, EMBRYONAL NUCLEAR; CATARACT 14, COPPOCK-LIKE. Identifiers: Orphanet 91492, MedGen C1866078, MONDO:0011162, OMIM 601885.

Submission:

Dept. Genetics and Cancer, Menzies Institute for Medical Research, University of Tasmania
Classification: Likely pathogenic for Cataract 14 multiple types. Last evaluated: 2024-05-22. Review status: criteria provided, single submitter. Criteria: ACMG Guidelines, 2015. Collection method: research. Allele origin: germline. Affected: yes.
Comment: GJA3 NM_021954.4:c.113G>A p.(Gly38Glu). ACMG-AMP criteria: PM2_Supp, PP3_Strong, PM1. Absent from population databases (gnomad v4.0), Multiple lines of computational evidence suggest a deleterious effect (REVEL=0.961), Located in hotspot (as defined in PMID:34360596).